The following is an entry in ClinVar:

NM_176787.5(PIGN):c.2603C>G (p.Ser868Ter)

Gene: PIGN (phosphatidylinositol glycan anchor biosynthesis class N; minus strand). Cytogenetic location: 18q21.33.
Variant type: single nucleotide variant.
Coding change: c.2603C>G on transcript NM_176787.5 (MANE Select); coding-DNA position 2603, C replaced by G.
Protein change: p.Ser868Ter; replaces serine 868 with a stop codon.
Molecular consequence: nonsense.
Genome position (GRCh38, 1-based): chr18:62,074,795, G>C on the plus strand (C>G on the coding strand, the complement: PIGN is on the minus strand). VCF-style: chr18-62074795-G-C. GRCh37 (hg19) VCF-style: chr18-59742028-G-C.
Other names: c.2603C>G, p.Ser868Ter (NM_001438896.1, NM_001438904.1, NM_001438905.1 and 1 more transcripts); c.2201C>G, p.Ser734Ter (NM_001438910.1); short protein forms S734*, S868*.
Identifiers: ClinVar variation 4682468 (VCV004682468.1).

ClinVar aggregate classification (germline): Likely pathogenic (1 of 4 stars; one submission).

gnomAD v4.1: 1 of 1,604,746 alleles (0.000062%); highest among the groups gnomAD compares: Admixed American, 0.0017%; no homozygotes.

Submission:

Athena Diagnostics
Classification: Likely pathogenic. Last evaluated: 2025-02-26. Review status: criteria provided, single submitter. Criteria: Athena Diagnostics Criteria. Collection method: clinical testing. Allele origin: unknown.
Comment: This variant is expected to result in the loss of a functional protein. This variant has not been reported in large, multi-ethnic general populations.